The following is an entry in ClinVar:

NM_007368.4(RASA3):c.1911G>A (p.Glu637=)

Gene: RASA3 (RAS p21 protein activator 3; minus strand). Cytogenetic location: 13q34.
Variant type: single nucleotide variant.
Coding change: c.1911G>A on transcript NM_007368.4 (MANE Select); coding-DNA position 1911, G replaced by A.
Protein change: p.Glu637=; no amino-acid change (glutamic acid 637 retained).
Molecular consequence: synonymous variant.
Genome position (GRCh38, 1-based): chr13:113,999,606, C>T on the plus strand (G>A on the coding strand, the complement: RASA3 is on the minus strand). VCF-style: chr13-113999606-C-T. GRCh37 (hg19) VCF-style: chr13-114765082-C-T.
Other names: c.762G>A, p.Glu254= (NM_001320821.2); c.1815G>A, p.Glu605= (NM_001320822.2).
Identifiers: ClinVar variation 2644017 (VCV002644017.24), dbSNP rs148651994, ClinGen allele CA7068389.

ClinVar aggregate classification (germline): Likely benign (1 of 4 stars; one submission).

Allele frequency attached by ClinVar (database versions not stated): 1000 Genomes Project 0.00120; ExAC 0.00164; ESP Exome Variant Server 0.00185; gnomAD 0.00185; 1000 Genomes Project 30x 0.00187; gnomAD exomes 0.00216; TOPMed 0.00224.
gnomAD v4.1: 3,447 of 1,613,234 alleles (0.21%); highest among the groups gnomAD compares: Admixed American, 0.39%; 8 homozygotes.

Submission:

CeGaT Center for Human Genetics Tuebingen
Classification: Likely benign. Last evaluated: 2022-06-01. Review status: criteria provided, single submitter. Criteria: CeGaT Center For Human Genetics Tuebingen Variant Classification Criteria Version 2. Collection method: clinical testing. Allele origin: germline. Affected: yes. Observed: 1 variant allele.
Comment: RASA3: BP4, BP7